The following is an entry in ClinVar:

ClinVar aggregate classification (germline): Uncertain significance (1 of 4 stars; one submission).

Submission:

Labcorp Genetics (formerly Invitae), Labcorp
Classification: Uncertain significance. Last evaluated: 2022-10-17. Review status: criteria provided, single submitter. Criteria: Invitae Variant Classification Sherloc (09022015). Collection method: clinical testing. Allele origin: germline.
Comment: In summary, the available evidence is currently insufficient to determine the role of this variant in disease. Therefore, it has been classified as a Variant of Uncertain Significance. Advanced modeling of protein sequence and biophysical properties (such as structural, functional, and spatial information, amino acid conservation, physicochemical variation, residue mobility, and thermodynamic stability) has been performed at Invitae for this missense variant, however the output from this modeling did not meet the statistical confidence thresholds required to predict the impact of this variant on MYO7A protein function. ClinVar contains an entry for this variant (Variation ID: 1367929). This variant has not been reported in the literature in individuals affected with MYO7A-related conditions. This variant is not present in population databases (gnomAD no frequency). This sequence change replaces proline, which is neutral and non-polar, with threonine, which is neutral and polar, at codon 1257 of the MYO7A protein (p.Pro1257Thr).

NM_000260.4(MYO7A):c.3769C>A (p.Pro1257Thr)

Gene: MYO7A (myosin VIIA; plus strand). Cytogenetic location: 11q13.5.
Variant type: single nucleotide variant.
Coding change: c.3769C>A on transcript NM_000260.4 (MANE Select); coding-DNA position 3769, C replaced by A.
Protein change: p.Pro1257Thr; replaces proline 1257 with threonine.
Molecular consequence: missense variant.
Genome position (GRCh38, 1-based): chr11:77,190,715, C>A. VCF-style: chr11-77190715-C-A. GRCh37 (hg19) VCF-style: chr11-76901760-C-A.
Other names: c.3769C>A, p.Pro1257Thr (NM_001127180.2); c.3736C>A, p.Pro1246Thr (NM_001369365.1); short protein forms P1246T, P1257T.
Identifiers: ClinVar variation 1367929 (VCV001367929.8), dbSNP rs1279878245, ClinGen allele CA381947409.